The following is an entry in ClinVar:

ClinVar aggregate classification (germline): Likely benign (1 of 4 stars; one submission).

Allele frequency attached by ClinVar (database versions not stated): gnomAD exomes below 0.00001; gnomAD 0.00001; TOPMed 0.00001.
gnomAD v4.1: 4 of 1,613,856 alleles (0.00025%); highest among the groups gnomAD compares: African/African-American, 0.0053%; no homozygotes.

Submission:

GeneDx
Classification: Likely benign. Last evaluated: 2017-04-29. Review status: criteria provided, single submitter. Criteria: GeneDx Variant Classification (06012015). Collection method: clinical testing. Allele origin: germline. Affected: yes.
Comment: This variant is considered likely benign or benign based on one or more of the following criteria: it is a conservative change, it occurs at a poorly conserved position in the protein, it is predicted to be benign by multiple in silico algorithms, and/or has population frequency not consistent with disease.

NM_001126121.2(SLC25A19):c.744G>C (p.Gly248=)

Gene: SLC25A19 (solute carrier family 25 member 19; minus strand). Cytogenetic location: 17q25.1.
Variant type: single nucleotide variant.
Coding change: c.744G>C on transcript NM_001126121.2 (MANE Select); coding-DNA position 744, G replaced by C.
Protein change: p.Gly248=; no amino-acid change (glycine 248 retained).
Molecular consequence: synonymous variant.
Genome position (GRCh38, 1-based): chr17:75,277,383, C>G on the plus strand (G>C on the coding strand, the complement: SLC25A19 is on the minus strand). VCF-style: chr17-75277383-C-G. GRCh37 (hg19) VCF-style: chr17-73273464-C-G.
Other names: c.744G>C, p.Gly248= (NM_001126122.2, NM_021734.5).
Identifiers: ClinVar variation 508982 (VCV000508982.1), dbSNP rs780066675, ClinGen allele CA501796917.